The following is an entry in ClinVar:

ClinVar aggregate classification (germline): Pathogenic. Review status: criteria provided, multiple submitters, no conflicts (2 of 4 stars). 2 submissions from 2 submitters: Pathogenic (2). Last evaluated 2026-01-15.

Conditions:
Hereditary antithrombin deficiency (AT3D). Also called: Antithrombin deficiency; Antithrombin III deficiency; Thrombophilia due to antithrombin III deficiency; Reduced antithrombin III activity. Identifiers: Orphanet 82, MedGen C0272375, MONDO:0013144, OMIM 613118, HP:0001976.

Submissions (2):

Labcorp Genetics (formerly Invitae), Labcorp
Classification: Pathogenic for Hereditary antithrombin deficiency. Last evaluated: 2026-01-15. Review status: criteria provided, single submitter. Criteria: Invitae Variant Classification Sherloc (09022015). Collection method: clinical testing. Allele origin: germline.
Comment: This sequence change replaces proline, which is neutral and non-polar, with alanine, which is neutral and non-polar, at codon 439 of the SERPINC1 protein (p.Pro439Ala). This variant is not present in population databases (gnomAD no frequency). This missense change has been observed in individuals with clinical features of antithrombin III deficiency (PMID: 16705712, 23910795, 28300866). ClinVar contains an entry for this variant (Variation ID: 958071). Invitae Evidence Modeling of protein sequence and biophysical properties (such as structural, functional, and spatial information, amino acid conservation, physicochemical variation, residue mobility, and thermodynamic stability) indicates that this missense variant is expected to disrupt SERPINC1 protein function with a positive predictive value of 95%. This variant disrupts the p.Pro439 amino acid residue in SERPINC1. Other variant(s) that disrupt this residue have been observed in individuals with SERPINC1-related conditions (PMID: 1469094, 3191114, 28300866), which suggests that this may be a clinically significant amino acid residue. For these reasons, this variant has been classified as Pathogenic.

MVZ Martinsried, Medicover Genetics
Classification: Pathogenic for Hereditary antithrombin deficiency. Last evaluated: 2024-06-06. Review status: criteria provided, single submitter. Criteria: ACGS Guidelines, 2020. Collection method: clinical testing. Allele origin: unknown. Affected: yes.

Literature cited by the submitters: PubMed 16705712 (cited by Labcorp Genetics (formerly Invitae), Labcorp); PubMed 23910795 (cited by Labcorp Genetics (formerly Invitae), Labcorp); PubMed 28300866 (cited by Labcorp Genetics (formerly Invitae), Labcorp); PubMed 1469094 (cited by Labcorp Genetics (formerly Invitae), Labcorp); PubMed 3191114 (cited by Labcorp Genetics (formerly Invitae), Labcorp).

NM_000488.4(SERPINC1):c.1315C>G (p.Pro439Ala)

Gene: SERPINC1 (serpin family C member 1; minus strand). Cytogenetic location: 1q25.1.
Variant type: single nucleotide variant.
Coding change: c.1315C>G on transcript NM_000488.4 (MANE Select); coding-DNA position 1315, C replaced by G.
Protein change: p.Pro439Ala; replaces proline 439 with alanine.
Molecular consequence: missense variant.
Genome position (GRCh38, 1-based): chr1:173,903,969, G>C on the plus strand (C>G on the coding strand, the complement: SERPINC1 is on the minus strand). VCF-style: chr1-173903969-G-C. GRCh37 (hg19) VCF-style: chr1-173873107-G-C.
Other names: c.1171C>G, p.Pro391Ala (NM_001365052.2); c.1438C>G, p.Pro480Ala (NM_001386302.1); c.1396C>G, p.Pro466Ala (NM_001386303.1); c.1294C>G, p.Pro432Ala (NM_001386304.1); c.1258C>G, p.Pro420Ala (NM_001386305.1); c.1099C>G, p.Pro367Ala (NM_001386306.1); short protein forms P391A, P439A, P367A, P420A, P432A, P466A, P480A.
Identifiers: ClinVar variation 958071 (VCV000958071.7), dbSNP rs1487411568, ClinGen allele CA343772367.